The following is an entry in ClinVar:

ClinVar aggregate classification (germline): Uncertain significance (1 of 4 stars; one submission).

gnomAD v4.1: 1 of 1,614,118 alleles (0.000062%); no homozygotes.

Submission:

Women's Health and Genetics/Laboratory Corporation of America, LabCorp
Classification: Uncertain significance. Last evaluated: 2025-03-26. Review status: criteria provided, single submitter. Criteria: LabCorp Variant Classification Summary - May 2015. Collection method: clinical testing. Allele origin: germline.
Comment: Variant summary: PANK2 c.1466T>C (p.Leu489Pro) results in a non-conservative amino acid change in the encoded protein sequence. Five of five in-silico tools predict a damaging effect of the variant on protein function. The variant was absent in 251464 control chromosomes. c.1466T>C has been reported in the literature in at-least two compound heterozygous individuals affected with Pantothenate Kinase-Associated Neurodegeneration (example: Siegl_2013, Yapici_2016). These data indicate that the variant may be associated with disease. To our knowledge, no experimental evidence demonstrating an impact on protein function has been reported. The following publications have been ascertained in the context of this evaluation (PMID: 24098554, 27185474). No submitters have cited clinical-significance assessments for this variant to ClinVar. Based on the evidence outlined above, the variant was classified as VUS-possibly pathogenic.

Literature cited by the submitters: PubMed 24098554; PubMed 27185474.

NM_001386393.1(PANK2):c.1136T>C (p.Leu379Pro)

Gene: PANK2 (pantothenate kinase 2; plus strand). Cytogenetic location: 20p13.
Variant type: single nucleotide variant.
Coding change: c.1136T>C on transcript NM_001386393.1 (MANE Select); coding-DNA position 1136, T replaced by C.
Protein change: p.Leu379Pro; replaces leucine 379 with proline.
Molecular consequence: missense variant. On other transcripts: non-coding transcript variant (1).
Genome position (GRCh38, 1-based): chr20:3,916,980, T>C. VCF-style: chr20-3916980-T-C. GRCh37 (hg19) VCF-style: chr20-3897627-T-C.
Other names: c.593T>C, p.Leu198Pro (NM_001324191.2, NM_024960.6, NM_153640.4); c.158T>C, p.Leu53Pro (NM_001324193.2); c.1466T>C, p.Leu489Pro (NM_153638.4); short protein forms L198P, L379P, L489P, L53P.
Identifiers: ClinVar variation 3895916 (VCV003895916.1).